The following is an entry in ClinVar:

ClinVar aggregate classification (germline): Uncertain significance. Review status: criteria provided, multiple submitters, no conflicts (2 of 4 stars). 3 submissions from 3 submitters: Uncertain significance (3). Last evaluated 2025-06-29.

Conditions:
Familial infantile myasthenia (CMS6). Also called: Congenital myasthenic syndrome type 6; MYASTHENIC SYNDROME, PRESYNAPTIC, CONGENITAL, ASSOCIATED WITH EPISODIC APNEA; MYASTHENIC SYNDROME, CONGENITAL, 6, PRESYNAPTIC. Identifiers: Orphanet 590, MedGen C0393929, MONDO:0009689, OMIM 254210.
Inborn genetic diseases. Identifiers: MedGen C0950123, MeSH D030342.

Allele frequency attached by ClinVar (database versions not stated): ExAC 0.00001; gnomAD 0.00001; gnomAD exomes 0.00001; TOPMed 0.00002.
gnomAD v4.1: 15 of 1,613,036 alleles (0.00093%); highest among the groups gnomAD compares: East Asian, 0.011%; 1 homozygote.

Submissions (3):

Mayo Clinic Laboratories, Mayo Clinic
Classification: Uncertain significance. Last evaluated: 2025-06-29. Review status: criteria provided, single submitter. Criteria: ACMG Guidelines, 2015. Collection method: clinical testing. Allele origin: germline. Observed: 1 variant allele.
Comment: PP3

Labcorp Genetics (formerly Invitae), Labcorp
Classification: Uncertain significance for Familial infantile myasthenia. Last evaluated: 2022-04-01. Review status: criteria provided, single submitter. Criteria: Invitae Variant Classification Sherloc (09022015). Collection method: clinical testing. Allele origin: germline.
Comment: This sequence change replaces leucine, which is neutral and non-polar, with isoleucine, which is neutral and non-polar, at codon 183 of the CHAT protein (p.Leu183Ile). This variant is present in population databases (rs746030420, gnomAD 0.02%). This variant has not been reported in the literature in individuals affected with CHAT-related conditions. Algorithms developed to predict the effect of missense changes on protein structure and function are either unavailable or do not agree on the potential impact of this missense change (SIFT: "Deleterious"; PolyPhen-2: "Probably Damaging"; Align-GVGD: "Class C0"). In summary, the available evidence is currently insufficient to determine the role of this variant in disease. Therefore, it has been classified as a Variant of Uncertain Significance.

Ambry Genetics
Classification: Uncertain significance for Inborn genetic diseases. Last evaluated: 2021-11-15. Review status: criteria provided, single submitter. Criteria: Ambry Variant Classification Scheme 2023. Collection method: clinical testing. Allele origin: germline.

NM_020549.5(CHAT):c.547C>A (p.Leu183Ile)

Gene: CHAT (choline O-acetyltransferase; plus strand). Cytogenetic location: 10q11.23.
Variant type: single nucleotide variant.
Coding change: c.547C>A on transcript NM_020549.5 (MANE Select); coding-DNA position 547, C replaced by A.
Protein change: p.Leu183Ile; replaces leucine 183 with isoleucine.
Molecular consequence: missense variant.
Genome position (GRCh38, 1-based): chr10:49,619,884, C>A. VCF-style: chr10-49619884-C-A. GRCh37 (hg19) VCF-style: chr10-50827930-C-A.
Other names: p.Leu183Ile; c.193C>A, p.Leu65Ile (NM_001142929.2, NM_001142934.2, NM_020984.4 and 2 more transcripts); c.301C>A, p.Leu101Ile (NM_001142933.2); c.547C>A (NM_020549.4); short protein forms L101I, L65I, L183I.
Identifiers: ClinVar variation 2153609 (VCV002153609.3), dbSNP rs746030420, ClinGen allele CA5497170.